The following is an entry in ClinVar:

ClinVar aggregate classification (germline): Uncertain significance. Review status: criteria provided, multiple submitters, no conflicts (2 of 4 stars). 2 submissions from 2 submitters: Uncertain significance (2). Last evaluated 2023-01-10.

Conditions:
Complex cortical dysplasia with other brain malformations 4. Identifiers: MedGen C3809420, MONDO:0014171, OMIM 615412.

Submissions (2):

GeneDx
Classification: Uncertain significance. Last evaluated: 2023-01-10. Review status: criteria provided, single submitter. Criteria: GeneDx Variant Classification Process June 2021. Collection method: clinical testing. Allele origin: germline. Affected: yes.
Comment: Not observed at significant frequency in large population cohorts (gnomAD); In silico analysis supports that this missense variant has a deleterious effect on protein structure/function; Has not been previously published as pathogenic or benign to our knowledge

3billion
Classification: Uncertain significance for Complex cortical dysplasia with other brain malformations 4. Review status: criteria provided, single submitter. Criteria: ACMG Guidelines, 2015. Collection method: clinical testing. Allele origin: unknown. Affected: yes. Observed: 1 heterozygote.
Comment: The variant is not observed in the gnomAD v2.1.1 dataset. Missense changes are a common disease-causing mechanism. In silico tool predictions suggest damaging effect of the variant on gene or gene product (REVEL: 0.67). However, the evidence of pathogenicity is insufficient at this time. Therefore, this variant is classified as Uncertain significance according to the recommendation of ACMG/AMP guideline.

NM_001070.5(TUBG1):c.757C>T (p.Leu253Phe)

Gene: TUBG1 (tubulin gamma 1; plus strand). Cytogenetic location: 17q21.2.
Variant type: single nucleotide variant.
Coding change: c.757C>T on transcript NM_001070.5 (MANE Select); coding-DNA position 757, C replaced by T.
Protein change: p.Leu253Phe; replaces leucine 253 with phenylalanine.
Molecular consequence: missense variant.
Genome position (GRCh38, 1-based): chr17:42,613,912, C>T. VCF-style: chr17-42613912-C-T. GRCh37 (hg19) VCF-style: chr17-40765930-C-T.
Other names: short protein forms L253F.
Identifiers: ClinVar variation 2571995 (VCV002571995.2), dbSNP rs2510735758, ClinGen allele CA399626685.